The following is an entry in ClinVar:

ClinVar aggregate classification (germline): Benign/Likely benign. Review status: criteria provided, multiple submitters, no conflicts (2 of 4 stars). 7 submissions from 6 submitters: Benign (2); Likely benign (5). Last evaluated 2025-12-04.

Conditions:
Adams-Oliver syndrome 5 (AOS5). Identifiers: Orphanet 974, MedGen C4014970, MONDO:0014459, OMIM 616028.
Familial thoracic aortic aneurysm and aortic dissection (TAAD). Also called: Thoracic aortic aneurysms and dissections. Identifiers: Orphanet 91387, MedGen C4707243, MONDO:0019625.
Aortic valve disease 1 (AOVD1). Identifiers: MedGen C3887892, MONDO:0024523, OMIM 109730.

Allele frequency attached by ClinVar (database versions not stated): gnomAD exomes 0.00004 and 0.00010; ExAC 0.00012; 1000 Genomes Project 0.00040; gnomAD 0.00043 and 0.00045; TOPMed 0.00046; 1000 Genomes Project 30x 0.00047; ESP Exome Variant Server 0.00050.
gnomAD v4.1: 124 of 1,613,302 alleles (0.0077%); highest among the groups gnomAD compares: African/African-American, 0.15%; no homozygotes.

Submissions (7):

Mayo Clinic Laboratories, Mayo Clinic
Classification: Likely benign. Last evaluated: 2025-12-04. Review status: criteria provided, single submitter. Criteria: ACMG Guidelines, 2015. Collection method: clinical testing. Allele origin: germline. Observed: 1 variant allele.
Comment: BS1, BP4, BP7

Labcorp Genetics (formerly Invitae), Labcorp
Classification: Likely benign for Adams-Oliver syndrome 5. Last evaluated: 2025-11-10. Review status: criteria provided, single submitter. Criteria: Invitae Variant Classification Sherloc (09022015). Collection method: clinical testing. Allele origin: germline.

Genome-Nilou Lab
Classification: Benign for Adams-Oliver syndrome 5. Last evaluated: 2022-03-15. Review status: criteria provided, single submitter. Criteria: ACMG Guidelines, 2015. Collection method: clinical testing. Allele origin: germline. Affected: no.

Genome-Nilou Lab
Classification: Benign for Aortic valve disease 1. Last evaluated: 2022-03-15. Review status: criteria provided, single submitter. Criteria: ACMG Guidelines, 2015. Collection method: clinical testing. Allele origin: germline. Affected: no.

Blueprint Genetics
Classification: Likely benign. Last evaluated: 2021-08-02. Review status: criteria provided, single submitter. Criteria: ACMG Guidelines, 2015. Collection method: clinical testing. Allele origin: germline.

GeneDx
Classification: Likely benign. Last evaluated: 2020-05-12. Review status: criteria provided, single submitter. Criteria: GeneDx Variant Classification Process June 2021. Collection method: clinical testing. Allele origin: germline. Affected: yes.

Ambry Genetics
Classification: Likely benign for Familial thoracic aortic aneurysm and aortic dissection. Last evaluated: 2017-07-30. Review status: criteria provided, single submitter. Criteria: Ambry Variant Classification Scheme 2023. Collection method: clinical testing. Allele origin: germline.

NM_017617.5(NOTCH1):c.5403A>G (p.Ser1801=)

Gene: NOTCH1 (notch receptor 1; minus strand). Cytogenetic location: 9q34.3.
Variant type: single nucleotide variant.
Coding change: c.5403A>G on transcript NM_017617.5 (MANE Select); coding-DNA position 5403, A replaced by G.
Protein change: p.Ser1801=; no amino-acid change (serine 1801 retained).
Molecular consequence: synonymous variant.
Genome position (GRCh38, 1-based): chr9:136,502,070, T>C on the plus strand (A>G on the coding strand, the complement: NOTCH1 is on the minus strand). VCF-style: chr9-136502070-T-C. GRCh37 (hg19) VCF-style: chr9-139396522-T-C.
Other names: p.Ser1801=; c.5403A>G, p.Ser1801= (LRG_1122t1).
Identifiers: ClinVar variation 415420 (VCV000415420.19), dbSNP rs201358664, ClinGen allele CA5340283.